The following is an entry in ClinVar:

NM_002334.4(LRP4):c.2258G>A (p.Arg753His)

Gene: LRP4 (LDL receptor related protein 4; minus strand). Cytogenetic location: 11p11.2.
Variant type: single nucleotide variant.
Coding change: c.2258G>A on transcript NM_002334.4 (MANE Select); coding-DNA position 2258, G replaced by A.
Protein change: p.Arg753His; replaces arginine 753 with histidine.
Molecular consequence: missense variant.
Genome position (GRCh38, 1-based): chr11:46,886,491, C>T on the plus strand (G>A on the coding strand, the complement: LRP4 is on the minus strand). VCF-style: chr11-46886491-C-T. GRCh37 (hg19) VCF-style: chr11-46908042-C-T.
Other names: c.2258G>A (NM_002334.3); short protein forms R753H.
Identifiers: ClinVar variation 2158669 (VCV002158669.4), dbSNP rs1188192419, ClinGen allele CA380280974.

ClinVar aggregate classification (germline): Uncertain significance. Review status: criteria provided, multiple submitters, no conflicts (2 of 4 stars). 3 submissions from 3 submitters: Uncertain significance (3). Last evaluated 2024-04-08.

Conditions:
Sclerosteosis 2 (SOST2). Identifiers: Orphanet 3152, MedGen C3280402, MONDO:0013679, OMIM 614305.
Congenital myasthenic syndrome 17. Identifiers: Orphanet 590, MedGen C4225377, MONDO:0014578, OMIM 616304.
Cenani-Lenz syndactyly syndrome. Also called: SYNDACTYLY, TYPE VII; CENANI SYNDACTYLISM. Identifiers: Orphanet 3258, MedGen C1859309, MONDO:0008931, OMIM 212780.
Inborn genetic diseases. Identifiers: MedGen C0950123, MeSH D030342.

Allele frequency attached by ClinVar (database versions not stated): gnomAD exomes below 0.00001; TOPMed below 0.00001; gnomAD 0.00001.
gnomAD v4.1: 4 of 1,613,996 alleles (0.00025%); highest among the groups gnomAD compares: Admixed American, 0.005%; no homozygotes.

Submissions (3):

Fulgent Genetics
Classification: Uncertain significance for Cenani-Lenz syndactyly syndrome; Sclerosteosis 2; Congenital myasthenic syndrome 17. Last evaluated: 2024-04-08. Review status: criteria provided, single submitter. Criteria: ACMG Guidelines, 2015. Collection method: clinical testing. Allele origin: germline.

Ambry Genetics
Classification: Uncertain significance for Inborn genetic diseases. Last evaluated: 2023-05-26. Review status: criteria provided, single submitter. Criteria: Ambry Variant Classification Scheme 2023. Collection method: clinical testing. Allele origin: germline.

Labcorp Genetics (formerly Invitae), Labcorp
Classification: Uncertain significance for Cenani-Lenz syndactyly syndrome; Sclerosteosis 2; Congenital myasthenic syndrome 17. Last evaluated: 2022-07-17. Review status: criteria provided, single submitter. Criteria: Invitae Variant Classification Sherloc (09022015). Collection method: clinical testing. Allele origin: germline.
Comment: This sequence change replaces arginine, which is basic and polar, with histidine, which is basic and polar, at codon 753 of the LRP4 protein (p.Arg753His). This variant is present in population databases (no rsID available, gnomAD 0.003%). This variant has not been reported in the literature in individuals affected with LRP4-related conditions. Algorithms developed to predict the effect of missense changes on protein structure and function (SIFT, PolyPhen-2, Align-GVGD) all suggest that this variant is likely to be disruptive. In summary, the available evidence is currently insufficient to determine the role of this variant in disease. Therefore, it has been classified as a Variant of Uncertain Significance.